The following is an entry in ClinVar:

NM_003060.4(SLC22A5):c.1060A>G (p.Ile354Val)

Gene: SLC22A5 (solute carrier family 22 member 5; plus strand). Cytogenetic location: 5q31.1.
Variant type: single nucleotide variant.
Coding change: c.1060A>G on transcript NM_003060.4 (MANE Select); coding-DNA position 1060, A replaced by G.
Protein change: p.Ile354Val; replaces isoleucine 354 with valine.
Molecular consequence: missense variant.
Genome position (GRCh38, 1-based): chr5:132,390,697, A>G. VCF-style: chr5-132390697-A-G. GRCh37 (hg19) VCF-style: chr5-131726389-A-G.
Other names: c.1132A>G, p.Ile378Val (NM_001308122.2); short protein forms I378V, I354V.
Identifiers: ClinVar variation 858027 (VCV000858027.11), dbSNP rs1166753949, ClinGen allele CA360807384.

ClinVar aggregate classification (germline): Uncertain significance. Review status: criteria provided, single submitter (1 of 4 stars). 2 submissions from 2 submitters: Uncertain significance (1). 1 of the submissions does not count toward it. Last evaluated 2026-01-05.

Conditions:
Decreased circulating carnitine concentration. Also called: Decreased plasma carnitine. Identifiers: MedGen C5848230, HP:0003234.
Renal carnitine transport defect (CDSP). Also called: Carnitine transporter deficiency; Carnitine Deficiency, Systemic; Systemic primary carnitine deficiency disease; Primary carnitine deficiency; Systemic primary carnitine deficiency; CARNITINE DEFICIENCY, SYSTEMIC, DUE TO DEFECT IN RENAL REABSORPTION OF CARNITINE. Identifiers: Orphanet 158, MedGen C0342788, MONDO:0008919, OMIM 212140.

Allele frequency attached by ClinVar (database versions not stated): gnomAD exomes below 0.00001 and 0.00002.
gnomAD v4.1: 22 of 1,612,710 alleles (0.0014%); highest among the groups gnomAD compares: Non-Finnish European, 0.0017%; no homozygotes.

Submissions (2):

Labcorp Genetics (formerly Invitae), Labcorp
Classification: Uncertain significance for Renal carnitine transport defect. Last evaluated: 2026-01-05. Review status: criteria provided, single submitter. Criteria: Invitae Variant Classification Sherloc (09022015). Collection method: clinical testing. Allele origin: germline.
Comment: This sequence change replaces isoleucine, which is neutral and non-polar, with valine, which is neutral and non-polar, at codon 354 of the SLC22A5 protein (p.Ile354Val). This variant is present in population databases (no rsID available, gnomAD 0.0009%). This variant has not been reported in the literature in individuals affected with SLC22A5-related conditions. ClinVar contains an entry for this variant (Variation ID: 858027). Invitae Evidence Modeling of protein sequence and biophysical properties (such as structural, functional, and spatial information, amino acid conservation, physicochemical variation, residue mobility, and thermodynamic stability) has been performed for this missense variant. However, the output from this modeling did not meet the statistical confidence thresholds required to predict the impact of this variant on SLC22A5 protein function. In summary, the available evidence is currently insufficient to determine the role of this variant in disease. Therefore, it has been classified as a Variant of Uncertain Significance.

Natera, Inc.
Classification: Uncertain significance for Carnitine deficiency. Last evaluated: 2021-02-11. Review status: no assertion criteria provided. Collection method: clinical testing. Allele origin: germline. Not counted in ClinVar's aggregate classification.